The following is an entry in ClinVar:

ClinVar aggregate classification (germline): Conflicting classifications of pathogenicity. Review status: criteria provided, conflicting classifications (1 of 4 stars). 2 submissions from 2 submitters: Pathogenic (1); Uncertain significance (1). Last evaluated 2022-10-07.

Conditions:
Developmental and epileptic encephalopathy, 7 (DEE7). Also called: Early infantile epileptic encephalopathy 7; KCNQ2-Related Neonatal Epileptic Encephalopathy; KCNQ2-Related Neonatal-Onset Developmental and Epileptic Encephalopathy (NEO-DEE). Identifiers: Orphanet 439218, MedGen C3150986, MONDO:0013387, OMIM 613720.
Early-infantile DEE. Also called: Ohtahara syndrome; Early infantile epileptic encephalopathy; Early infantile epileptic encephalopathy with suppression bursts. Identifiers: Orphanet 1934, MedGen C0393706, MONDO:0800491.

Submissions (2):

Labcorp Genetics (formerly Invitae), Labcorp
Classification: Uncertain significance for Early-infantile DEE. Last evaluated: 2022-10-07. Review status: criteria provided, single submitter. Criteria: Invitae Variant Classification Sherloc (09022015). Collection method: clinical testing. Allele origin: germline.
Comment: In summary, the available evidence is currently insufficient to determine the role of this variant in disease. Therefore, it has been classified as a Variant of Uncertain Significance. Algorithms developed to predict the effect of missense changes on protein structure and function are either unavailable or do not agree on the potential impact of this missense change (SIFT: "Deleterious"; PolyPhen-2: "Possibly Damaging"; Align-GVGD: "Class C0"). ClinVar contains an entry for this variant (Variation ID: 976423). This variant has not been reported in the literature in individuals affected with KCNQ2-related conditions. This variant is not present in population databases (gnomAD no frequency). This sequence change replaces glutamine, which is neutral and polar, with arginine, which is basic and polar, at codon 341 of the KCNQ2 protein (p.Gln341Arg).

Institute of Human Genetics, University of Leipzig Medical Center
Classification: Pathogenic for Developmental and epileptic encephalopathy, 7. Last evaluated: 2018-12-19. Review status: criteria provided, single submitter. Criteria: ACMG Guidelines, 2015. Collection method: clinical testing. Allele origin: de novo. Affected: yes. Observed: 1 variant allele.
Comment: This variant was identified as de novo (maternity and paternity confirmed).

NM_172107.4(KCNQ2):c.1022A>G (p.Gln341Arg)

Gene: KCNQ2 (potassium voltage-gated channel subfamily Q member 2; minus strand). Cytogenetic location: 20q13.33.
Variant type: single nucleotide variant.
Coding change: c.1022A>G on transcript NM_172107.4 (MANE Select); coding-DNA position 1022, A replaced by G.
Protein change: p.Gln341Arg; replaces glutamine 341 with arginine.
Molecular consequence: missense variant.
Genome position (GRCh38, 1-based): chr20:63,438,626, T>C on the plus strand (A>G on the coding strand, the complement: KCNQ2 is on the minus strand). VCF-style: chr20-63438626-T-C. GRCh37 (hg19) VCF-style: chr20-62069979-T-C.
Other names: c.1022A>G, p.Gln341Arg (NM_001382235.1, NM_004518.6, NM_172106.3 and 2 more transcripts); short protein forms Q341R.
Identifiers: ClinVar variation 976423 (VCV000976423.7), dbSNP rs2081071796, ClinGen allele CA409652027.
Genomic context (GRCh38, chr20:63,438,626, plus strand): 5'-TCAACAAGGTGGGACCAGGACAAGGGCTGTGCTGGTCCCCGGGGGACACCTGGACTCACC[T>C]GGATCAGGCCTGCTGCCGGGTTCCGCCTCTTCTCAAAGTGCTTCTGCCTGTGCTGCTCCT-3'
Protein context (NP_742105.1, residues 331-351): KRRNPAAGLI[Gln341Arg]SAWRFYATNL